The following is an entry in ClinVar:

ClinVar aggregate classification (germline): Pathogenic (1 of 4 stars; one submission).

Conditions:
Supravalvar aortic stenosis (SVAS). Also called: Supravalvar aortic stenosis, Eisenberg type. Identifiers: Orphanet 3193, MedGen C0003499, MONDO:0008504, OMIM 185500, HP:0004381.

Submission:

Labcorp Genetics (formerly Invitae), Labcorp
Classification: Pathogenic for Supravalvar aortic stenosis. Last evaluated: 2024-12-04. Review status: criteria provided, single submitter. Criteria: Invitae Variant Classification Sherloc (09022015). Collection method: clinical testing. Allele origin: germline.
Comment: This sequence change creates a premature translational stop signal (p.Ala134Glyfs*41) in the ELN gene. It is expected to result in an absent or disrupted protein product. Loss-of-function variants in ELN are known to be pathogenic (PMID: 11175284). This variant is not present in population databases (gnomAD no frequency). This variant has not been reported in the literature in individuals affected with ELN-related conditions. For these reasons, this variant has been classified as Pathogenic.

Literature cited by the submitters: PubMed 11175284.

NM_000501.4(ELN):c.401_405del (p.Ala134fs)

Gene: ELN (elastin; plus strand). Cytogenetic location: 7q11.23.
Variant type: Deletion.
Coding change: c.401_405del on transcript NM_000501.4 (MANE Select); coding-DNA positions 401 to 405, 5 bases deleted (CCGGA; older notation c.401_405delCCGGA).
Protein change: p.Ala134fs; shifts the reading frame from alanine 134.
Molecular consequence: frameshift variant.
Genome position (GRCh38, 1-based): chr7:74,043,142-74,043,146, CCGGA deleted. VCF-style (leftmost placement, unchanged base first): chr7-74043141-GCCGGA-G. GRCh37 (hg19) VCF-style: chr7-73457471-GCCGGA-G.
Other names: c.371_375del, p.Ala124fs (NM_001081752.3, NM_001278917.2, NM_001278918.2); c.416_420del, p.Ala139fs (NM_001081753.3, NM_001081754.3); c.401_405del, p.Ala134fs (NM_001081755.3, NM_001278912.2, NM_001278915.2 and 2 more transcripts); c.365_369del, p.Ala122fs (NM_001278913.2); c.386_390del, p.Ala129fs (NM_001278914.2); short protein forms A122fs, A134fs, A129fs, A139fs, A124fs.
Identifiers: ClinVar variation 3724216 (VCV003724216.2).